The following is an entry in ClinVar:

ClinVar aggregate classification (germline): Uncertain significance (1 of 4 stars; one submission).

Conditions:
Familial thoracic aortic aneurysm and aortic dissection (TAAD). Also called: Thoracic aortic aneurysms and dissections. Identifiers: Orphanet 91387, MedGen C4707243, MONDO:0019625.

Allele frequency attached by ClinVar (database versions not stated): gnomAD exomes below 0.00001.
gnomAD v4.1: 1 of 1,614,200 alleles (0.000062%); highest among the groups gnomAD compares: Non-Finnish European, 0.000085%; no homozygotes.

Submission:

Color Diagnostics, LLC DBA Color Health
Classification: Uncertain significance for Familial thoracic aortic aneurysm and aortic dissection. Last evaluated: 2024-03-06. Review status: criteria provided, single submitter. Criteria: ACMG Guidelines, 2015. Collection method: clinical testing. Allele origin: germline.
Comment: This missense variant replaces serine with leucine at codon 2469 of the FBN1 protein. Computational prediction suggests that this variant may have deleterious impact on protein structure and function (internally defined REVEL score threshold >= 0.7, PMID: 27666373). To our knowledge, functional studies have not been reported for this variant. This variant has not been reported in individuals affected with cardiovascular disorders in the literature. This variant has not been identified in the general population by the Genome Aggregation Database (gnomAD). The available evidence is insufficient to determine the role of this variant in disease conclusively. Therefore, this variant is classified as a Variant of Uncertain Significance.

NM_000138.5(FBN1):c.7406C>T (p.Ser2469Leu)

Gene: FBN1 (fibrillin 1; minus strand). Cytogenetic location: 15q21.1.
Variant type: single nucleotide variant.
Coding change: c.7406C>T on transcript NM_000138.5 (MANE Select); coding-DNA position 7406, C replaced by T.
Protein change: p.Ser2469Leu; replaces serine 2469 with leucine.
Molecular consequence: missense variant.
Genome position (GRCh38, 1-based): chr15:48,425,416, G>A on the plus strand (C>T on the coding strand, the complement: FBN1 is on the minus strand). VCF-style: chr15-48425416-G-A. GRCh37 (hg19) VCF-style: chr15-48717613-G-A.
Other names: short protein forms S2469L.
Identifiers: ClinVar variation 1172202 (VCV001172202.3), dbSNP rs2141226337, ClinGen allele CA392327780.